The following is an entry in ClinVar:

NM_005412.6(SHMT2):c.891G>A (p.Lys297=)

Gene: SHMT2 (serine hydroxymethyltransferase 2; plus strand). Cytogenetic location: 12q13.3.
Variant type: single nucleotide variant.
Coding change: c.891G>A on transcript NM_005412.6 (MANE Select); coding-DNA position 891, G replaced by A.
Protein change: p.Lys297=; no amino-acid change (lysine 297 retained).
Molecular consequence: synonymous variant. On other transcripts: non-coding transcript variant (4).
Genome position (GRCh38, 1-based): chr12:57,233,213, G>A. VCF-style: chr12-57233213-G-A. GRCh37 (hg19) VCF-style: chr12-57626996-G-A.
Other names: c.861G>A, p.Lys287= (NM_001166356.2); c.828G>A, p.Lys276= (NM_001166357.1, NM_001166358.2, NM_001166359.1).
Identifiers: ClinVar variation 4681441 (VCV004681441.5).
Genomic context (GRCh38, chr12:57,233,213, plus strand): 5'-GACTCTGACCATCCACCTCTCACACAGGTCAGGGCTCATCTTCTACCGGAAAGGGGTGAA[G>A]GCTGTGGACCCCAAGACTGGCCGGGAGATCCCTTACACATTTGAGGACCGAATCAACTTT-3'
Protein context (NP_005403.2, residues 287-307): SGLIFYRKGV[Lys297=]AVDPKTGREI

ClinVar aggregate classification (germline): Likely benign (1 of 4 stars; one submission).

gnomAD v4.1: 20 of 1,592,806 alleles (0.0013%); highest among the groups gnomAD compares: Non-Finnish European, 0.0015%; no homozygotes.

Submission:

CeGaT Center for Human Genetics Tuebingen
Classification: Likely benign. Last evaluated: 2025-12-01. Review status: criteria provided, single submitter. Criteria: CeGaT Center For Human Genetics Tuebingen Variant Classification Criteria Version 2. Collection method: clinical testing. Allele origin: germline. Affected: yes. Observed: 1 variant allele.
Comment: SHMT2: BP4, BP7